The following is an entry in ClinVar:

ClinVar aggregate classification (germline): Uncertain significance (1 of 4 stars; one submission).

Conditions:
Ehlers-Danlos syndrome, classic type, 1 (EDSCL1). Also called: EDS I; EHLERS-DANLOS SYNDROME, GRAVIS TYPE; EHLERS-DANLOS SYNDROME, SEVERE CLASSIC TYPE; Ehlers-Danlos Syndrome, Classic Type, COL5A1-Related; Ehlers-Danlos syndrome, type 1. Identifiers: MedGen C0268335, MONDO:0019567, OMIM 130000.

Submission:

Labcorp Genetics (formerly Invitae), Labcorp
Classification: Uncertain significance for Ehlers-Danlos syndrome, classic type, 1. Last evaluated: 2019-03-27. Review status: criteria provided, single submitter. Criteria: Invitae Variant Classification Sherloc (09022015). Collection method: clinical testing. Allele origin: germline.
Comment: This sequence change replaces alanine with valine at codon 617 of the COL5A1 protein (p.Ala617Val). The alanine residue is highly conserved and there is a small physicochemical difference between alanine and valine. In summary, the available evidence is currently insufficient to determine the role of this variant in disease. Therefore, it has been classified as a Variant of Uncertain Significance. Algorithms developed to predict the effect of missense changes on protein structure and function (SIFT, PolyPhen-2, Align-GVGD) all suggest that this variant is likely to be disruptive, but these predictions have not been confirmed by published functional studies and their clinical significance is uncertain. This variant has not been reported in the literature in individuals with COL5A1-related conditions. This variant is not present in population databases (ExAC no frequency).

NM_000093.5(COL5A1):c.1850C>T (p.Ala617Val)

Gene: COL5A1 (collagen type V alpha 1 chain; plus strand). Cytogenetic location: 9q34.3.
Variant type: single nucleotide variant.
Coding change: c.1850C>T on transcript NM_000093.5 (MANE Select); coding-DNA position 1850, C replaced by T.
Protein change: p.Ala617Val; replaces alanine 617 with valine.
Molecular consequence: missense variant.
Genome position (GRCh38, 1-based): chr9:134,756,787, C>T. VCF-style: chr9-134756787-C-T. GRCh37 (hg19) VCF-style: chr9-137648633-C-T.
Other names: c.1850C>T, p.Ala617Val (NM_001278074.1); short protein forms A617V.
Identifiers: ClinVar variation 660389 (VCV000660389.12), dbSNP rs1588508705, ClinGen allele CA375445427.